The following is an entry in ClinVar:

NC_000023.10:g.(?_148571835)_(148582578_?)del

Gene: IDS (iduronate 2-sulfatase; minus strand). Cytogenetic location: Xq28.
Variant type: Deletion.
Identifiers: ClinVar variation 1068596 (VCV001068596.6).

ClinVar aggregate classification (germline): Pathogenic (1 of 4 stars; one submission).

Conditions:
Mucopolysaccharidosis, MPS-II (MPS2). Also called: Attenuated MPS (subtype; formerly known as mild MPS II); Severe MPS II; I2S deficiency; MPS 2; Hunter Syndrome; IDURONATE 2-SULFATASE DEFICIENCY. Identifiers: Orphanet 580, Orphanet 79388, MedGen C0026705, MONDO:0010674, OMIM 309900.

Submission:

Labcorp Genetics (formerly Invitae), Labcorp
Classification: Pathogenic for Mucopolysaccharidosis, MPS-II. Last evaluated: 2021-08-12. Review status: criteria provided, single submitter. Criteria: Invitae Variant Classification Sherloc (09022015). Collection method: clinical testing. Allele origin: germline.
Comment: This variant is a gross deletion of the genomic region encompassing exon(s) 4-7 of the IDS gene. This variant would be expected to be in-frame, preserving the integrity of the reading frame. A similar copy number variant has been observed in individuals with mucopolysaccharidosis type II (PMID: 8807335, 30639582). The region of the IDS gene that includes exon(s) 5-6 has been determined to be clinically significant (PMID: 9921913; Invitae). Therefore, deletions that encompass that region are likely to be disease-causing. For these reasons, this variant has been classified as Pathogenic.

Literature cited by the submitters: PubMed 8807335; PubMed 30639582; PubMed 9921913.